The following is an entry in ClinVar:

NM_002470.4(MYH3):c.5458-3C>A

Gene: MYH3 (myosin heavy chain 3; minus strand). Cytogenetic location: 17p13.1.
Variant type: single nucleotide variant.
Coding change: c.5458-3C>A on transcript NM_002470.4 (MANE Select); 3 bases into the intron before coding-DNA position 5458, C replaced by A.
Molecular consequence: intron variant.
Genome position (GRCh38, 1-based): chr17:10,630,199, G>T on the plus strand (C>A on the coding strand, the complement: MYH3 is on the minus strand). VCF-style: chr17-10630199-G-T. GRCh37 (hg19) VCF-style: chr17-10533516-G-T.
Identifiers: ClinVar variation 3657745 (VCV003657745.2).
Genomic context (GRCh38, chr17:10,630,199, plus strand): 5'-TAACAGACTCTGTGTTCTTCTTCTGCTCTCCCTCAAGTTCAAACTCCAGCTCTCGGATCT[G>T]GGGGAGAGGGTGGGGAAATTAGTCTGGGGCTGCAGCGTGATTGGGAGGCTGGAAAGCTCA-3'

ClinVar aggregate classification (germline): Uncertain significance (1 of 4 stars; one submission).

gnomAD v4.1: 13 of 1,614,044 alleles (0.00081%); highest among the groups gnomAD compares: Non-Finnish European, 0.0011%; no homozygotes.

Submission:

Labcorp Genetics (formerly Invitae), Labcorp
Classification: Uncertain significance. Last evaluated: 2024-04-18. Review status: criteria provided, single submitter. Criteria: Invitae Variant Classification Sherloc (09022015). Collection method: clinical testing. Allele origin: germline.
Comment: This sequence change falls in intron 37 of the MYH3 gene. It does not directly change the encoded amino acid sequence of the MYH3 protein. It affects a nucleotide within the consensus splice site. This variant is present in population databases (no rsID available, gnomAD 0.002%). This variant has not been reported in the literature in individuals affected with MYH3-related conditions. Variants that disrupt the consensus splice site are a relatively common cause of aberrant splicing (PMID: 17576681, 9536098). Algorithms developed to predict the effect of sequence changes on RNA splicing suggest that this variant is not likely to affect RNA splicing. In summary, the available evidence is currently insufficient to determine the role of this variant in disease. Therefore, it has been classified as a Variant of Uncertain Significance.

Literature cited by the submitters: PubMed 17576681; PubMed 9536098.